The following is an entry in ClinVar:

ClinVar aggregate classification (germline): Likely benign. Review status: criteria provided, multiple submitters, no conflicts (2 of 4 stars). 3 submissions from 3 submitters: Likely benign (3). Last evaluated 2024-04-27.

Allele frequency attached by ClinVar (database versions not stated): gnomAD exomes below 0.00001.

Submissions (3):

Labcorp Genetics (formerly Invitae), Labcorp
Classification: Likely benign. Last evaluated: 2024-04-27. Review status: criteria provided, single submitter. Criteria: Invitae Variant Classification Sherloc (09022015). Collection method: clinical testing. Allele origin: germline.

CeGaT Center for Human Genetics Tuebingen
Classification: Likely benign. Last evaluated: 2022-12-01. Review status: criteria provided, single submitter. Criteria: CeGaT Center For Human Genetics Tuebingen Variant Classification Criteria Version 2. Collection method: clinical testing. Allele origin: germline. Affected: yes. Observed: 1 variant allele.
Comment: RINT1: PM2:Supporting, BP4, BP7

Ambry Genetics
Classification: Likely benign. Last evaluated: 2020-02-04. Review status: criteria provided, single submitter. Criteria: Ambry Variant Classification Scheme 2023. Collection method: clinical testing. Allele origin: germline.

NM_021930.6(RINT1):c.760T>C (p.Leu254=)

Gene: RINT1 (RAD50 interactor 1; plus strand). Cytogenetic location: 7q22.3.
Variant type: single nucleotide variant.
Coding change: c.760T>C on transcript NM_021930.6 (MANE Select); coding-DNA position 760, T replaced by C.
Protein change: p.Leu254=; no amino-acid change (leucine 254 retained).
Molecular consequence: synonymous variant. On other transcripts: 5 prime UTR variant (2), non-coding transcript variant (1), intron variant (1).
Genome position (GRCh38, 1-based): chr7:105,547,254, T>C. VCF-style: chr7-105547254-T-C. GRCh37 (hg19) VCF-style: chr7-105187701-T-C.
Other names: c.526T>C, p.Leu176= (NM_001346599.2); c.-260T>C (NM_001346600.2); c.-163T>C (NM_001346601.2); c.-27-2801T>C (NM_001346603.2).
Identifiers: ClinVar variation 1759792 (VCV001759792.28), dbSNP rs2485124003, ClinGen allele CA457201786.
Genomic context (GRCh38, chr7:105,547,254, plus strand): 5'-GAAATTTTAGCACAGCTTCATTGGCCATTCATCGCACCCCCTCAATCACAAACTGTTGGC[T>C]TAAGTCGACCTGCCAGTGCCCCGGAGATATACAGTTACCTGGAGACACTGTTTTGTCAGC-3'
Protein context (NP_068749.3, residues 244-264): IAPPQSQTVG[Leu254=]SRPASAPEIY